The following is an entry in ClinVar:

ClinVar aggregate classification (germline): Uncertain significance (1 of 4 stars; one submission).

Submission:

Labcorp Genetics (formerly Invitae), Labcorp
Classification: Uncertain significance. Last evaluated: 2022-02-09. Review status: criteria provided, single submitter. Criteria: Invitae Variant Classification Sherloc (09022015). Collection method: clinical testing. Allele origin: germline.
Comment: This sequence change replaces aspartic acid, which is acidic and polar, with glutamic acid, which is acidic and polar, at codon 197 of the GNPTG protein (p.Asp197Glu). This variant is not present in population databases (gnomAD no frequency). This variant has not been reported in the literature in individuals affected with GNPTG-related conditions. Algorithms developed to predict the effect of missense changes on protein structure and function are either unavailable or do not agree on the potential impact of this missense change (SIFT: "Deleterious"; PolyPhen-2: "Benign"; Align-GVGD: "Class C0"). In summary, the available evidence is currently insufficient to determine the role of this variant in disease. Therefore, it has been classified as a Variant of Uncertain Significance.

NM_032520.5(GNPTG):c.591T>A (p.Asp197Glu)

Gene: GNPTG (N-acetylglucosamine-1-phosphate transferase subunit gamma; plus strand). Cytogenetic location: 16p13.3.
Variant type: single nucleotide variant.
Coding change: c.591T>A on transcript NM_032520.5 (MANE Select); coding-DNA position 591, T replaced by A.
Protein change: p.Asp197Glu; replaces aspartic acid 197 with glutamic acid.
Molecular consequence: missense variant.
Genome position (GRCh38, 1-based): chr16:1,362,516, T>A. VCF-style: chr16-1362516-T-A. GRCh37 (hg19) VCF-style: chr16-1412517-T-A.
Other names: short protein forms D197E.
Identifiers: ClinVar variation 1956793 (VCV001956793.2), dbSNP rs927888758, ClinGen allele CA394188315.